The following is an entry in ClinVar:

ClinVar aggregate classification (germline): Uncertain significance (1 of 4 stars; one submission).

Allele frequency attached by ClinVar (database versions not stated): gnomAD exomes below 0.00001; TOPMed below 0.00001; gnomAD 0.00001.
gnomAD v4.1: 3 of 1,608,774 alleles (0.00019%); highest among the groups gnomAD compares: Non-Finnish European, 0.00025%; no homozygotes.

Submission:

Labcorp Genetics (formerly Invitae), Labcorp
Classification: Uncertain significance. Last evaluated: 2023-11-27. Review status: criteria provided, single submitter. Criteria: Invitae Variant Classification Sherloc (09022015). Collection method: clinical testing. Allele origin: germline.
Comment: This sequence change replaces glycine, which is neutral and non-polar, with arginine, which is basic and polar, at codon 73 of the SCO2 protein (p.Gly73Arg). This variant is not present in population databases (gnomAD no frequency). This variant has not been reported in the literature in individuals affected with SCO2-related conditions. ClinVar contains an entry for this variant (Variation ID: 1958097). Advanced modeling of protein sequence and biophysical properties (such as structural, functional, and spatial information, amino acid conservation, physicochemical variation, residue mobility, and thermodynamic stability) performed at Invitae indicates that this missense variant is not expected to disrupt SCO2 protein function with a negative predictive value of 80%. In summary, the available evidence is currently insufficient to determine the role of this variant in disease. Therefore, it has been classified as a Variant of Uncertain Significance.

NM_005138.3(SCO2):c.217G>A (p.Gly73Arg)

Genes: NCAPH2 (non-SMC condensin II complex subunit H2; plus strand), SCO2 (synthesis of cytochrome C oxidase 2; minus strand). Cytogenetic location: 22q13.33.
Variant type: single nucleotide variant.
Coding change: c.217G>A on transcript NM_005138.3 (MANE Select); coding-DNA position 217, G replaced by A.
Protein change: p.Gly73Arg; replaces glycine 73 with arginine.
Molecular consequence: missense variant. On other transcripts: 3 prime UTR variant (2).
Genome position (GRCh38, 1-based): chr22:50,524,195, C>T on the plus strand (G>A on the coding strand, the complement: SCO2 is on the minus strand). VCF-style: chr22-50524195-C-T. GRCh37 (hg19) VCF-style: chr22-50962624-C-T.
Other names: c.*820C>T (NM_001185011.2, NM_152299.4); c.217G>A, p.Gly73Arg (NM_001169109.2, NM_001169110.1, NM_001169111.2); short protein forms G73R.
Identifiers: ClinVar variation 1958097 (VCV001958097.3), dbSNP rs1309015623, ClinGen allele CA412193595.
Genomic context (GRCh38, chr22:50,524,195, plus strand): 5'-CTTCTGTTCGCTTTTGCTGCTGCAGCCTCTCCTTCTCAGCCCTCAGGGCCAGCCAGGCCC[C>T]ACCGAGTCCAGCCCCGAACAGGCCTGTGATCAGCAGCCGGGTTCGAAGCCCAGGGCCCTG-3'
Protein context (NP_005129.2, residues 63-83): ITGLFGAGLG[Gly73Arg]AWLALRAEKE